The following is an entry in ClinVar:

ClinVar aggregate classification (germline): Benign. Review status: criteria provided, multiple submitters, no conflicts (2 of 4 stars). 6 submissions from 5 submitters: Benign (5). 1 of the submissions does not count toward it. Last evaluated 2021-07-30.

Conditions:
Hypohidrotic ectodermal dysplasia (HED). Identifiers: Orphanet 238468, MedGen C5848103, MONDO:0016535, HP:0007607.
Ectodermal dysplasia 10B, hypohidrotic/hair/tooth type, autosomal recessive. Also called: Ectodermal Dysplasia, Hypohidrotic, Autosomal Recessive; Ectodermal dysplasia 10B, hypohidrotic/hair/tooth type, autosomal. Identifiers: Orphanet 238468, Orphanet 248, MedGen C3887494, MONDO:0009147, OMIM 224900.
Ectodermal dysplasia 10A, hypohidrotic/hair/nail type, autosomal dominant (ECTD10A). Also called: Ectodermal Dysplasia 3, Anhidrotic. Identifiers: Orphanet 1810, Orphanet 238468, MedGen C3888065, MONDO:0007509, OMIM 129490.

Allele frequency attached by ClinVar (database versions not stated): TOPMed 0.86922; ExAC 0.90665; gnomAD exomes 0.91039 and 0.90379; 1000 Genomes Project 30x 0.87648; gnomAD 0.86887; 1000 Genomes Project 0.88299; ESP Exome Variant Server 0.85897.
gnomAD v4.1: 1,427,736 of 1,584,916 alleles (90%); highest among the groups gnomAD compares: East Asian, 100%; 644,119 homozygotes.

Submissions (6):

Genome-Nilou Lab
Classification: Benign for Ectodermal dysplasia 10A, hypohidrotic/hair/nail type, autosomal dominant. Last evaluated: 2021-07-30. Review status: criteria provided, single submitter. Criteria: ACMG Guidelines, 2015. Collection method: clinical testing. Allele origin: germline. Affected: no.

Genome-Nilou Lab
Classification: Benign for Ectodermal dysplasia 10B, hypohidrotic/hair/tooth type, autosomal recessive. Last evaluated: 2021-07-30. Review status: criteria provided, single submitter. Criteria: ACMG Guidelines, 2015. Collection method: clinical testing. Allele origin: germline. Affected: no.

Illumina Laboratory Services, Illumina
Classification: Benign for Hypohidrotic ectodermal dysplasia. Last evaluated: 2018-01-13. Review status: criteria provided, single submitter. Criteria: ICSL Variant Classification Criteria 13 December 2019. Collection method: clinical testing. Allele origin: germline.
Comment: This variant was observed in the ICSL laboratory as part of a predisposition screen in an ostensibly healthy population. It had not been previously curated by ICSL or reported in the Human Gene Mutation Database (HGMD: prior to June 1st, 2018), and was therefore a candidate for classification through an automated scoring system. Utilizing variant allele frequency, disease prevalence and penetrance estimates, and inheritance mode, an automated score was calculated to assess if this variant is too frequent to cause the disease. Based on the score and internal cut-off values, a variant classified as benign is not then subjected to further curation. The score for this variant resulted in a classification of benign for this disease.

GeneDx
Classification: Benign. Last evaluated: 2015-03-03. Review status: criteria provided, single submitter. Criteria: GeneDx Variant Classification Process June 2021. Collection method: clinical testing. Allele origin: germline. Affected: yes.

Breakthrough Genomics
Classification: Benign. Review status: criteria provided, single submitter. Criteria: ACMG Guidelines, 2015. Collection method: not provided. Allele origin: germline. Inheritance: Autosomal recessive inheritance. Affected: yes.

Genomic Research Center, Shahid Beheshti University of Medical Sciences
No classification provided. Review status: no classification provided. Collection method: not provided. Allele origin: somatic. Not counted in ClinVar's aggregate classification.
ClinVar note: Converted during submission from untested to not provided.

NM_022336.4(EDAR):c.*42G>T

Genes: EDAR (ectodysplasin A receptor; minus strand), RANBP2 (RAN binding protein 2; plus strand). Cytogenetic location: 2q13.
Variant type: single nucleotide variant.
Coding change: c.*42G>T on transcript NM_022336.4 (MANE Select); 42 bases downstream of the stop codon, G replaced by T.
Molecular consequence: 3 prime UTR variant.
Genome position (GRCh38, 1-based): chr2:108,896,865, C>A on the plus strand (G>T on the coding strand, the complement: EDAR is on the minus strand). VCF-style: chr2-108896865-C-A. GRCh37 (hg19) VCF-style: chr2-109513321-C-A.
Identifiers: ClinVar variation 155862 (VCV000155862.14), dbSNP rs7607563, ClinGen allele CA249809.